The following is an entry in ClinVar:

ClinVar aggregate classification (germline): Uncertain significance (1 of 4 stars; one submission).

Conditions:
Inborn genetic diseases. Identifiers: MedGen C0950123, MeSH D030342.

Submission:

Ambry Genetics
Classification: Uncertain significance for Inborn genetic diseases. Last evaluated: 2024-04-05. Review status: criteria provided, single submitter. Criteria: Ambry Variant Classification Scheme 2023. Collection method: clinical testing. Allele origin: germline.
Comment: The p.G1163E variant (also known as c.3488G>A), located in coding exon 18 of the ATR gene, results from a G to A substitution at nucleotide position 3488. The glycine at codon 1163 is replaced by glutamic acid, an amino acid with similar properties. This amino acid position is conserved. In addition, this alteration is predicted to be deleterious by in silico analysis. Since supporting evidence is limited at this time, the clinical significance of this alteration remains unclear.

NM_001184.4(ATR):c.3488G>A (p.Gly1163Glu)

Gene: ATR (ATR checkpoint kinase; minus strand). Cytogenetic location: 3q23.
Variant type: single nucleotide variant.
Coding change: c.3488G>A on transcript NM_001184.4 (MANE Select); coding-DNA position 3488, G replaced by A.
Protein change: p.Gly1163Glu; replaces glycine 1163 with glutamic acid.
Molecular consequence: missense variant.
Genome position (GRCh38, 1-based): chr3:142,540,997, C>T on the plus strand (G>A on the coding strand, the complement: ATR is on the minus strand). VCF-style: chr3-142540997-C-T. GRCh37 (hg19) VCF-style: chr3-142259839-C-T.
Other names: c.3296G>A, p.Gly1099Glu (NM_001354579.2); short protein forms G1099E, G1163E.
Identifiers: ClinVar variation 1731895 (VCV001731895.3), dbSNP rs1245720062, ClinGen allele CA354807894.